The following is an entry in ClinVar:

ClinVar aggregate classification (germline): Uncertain significance (1 of 4 stars; one submission).

Conditions:
Hereditary cancer-predisposing syndrome. Also called: Neoplastic Syndromes, Hereditary; Tumor predisposition; Hereditary Cancer Syndrome; Hereditary neoplastic syndrome. Identifiers: Orphanet 140162, MedGen C0027672, MeSH D009386, MONDO:0015356.

Submission:

Ambry Genetics
Classification: Uncertain significance for Hereditary cancer-predisposing syndrome. Last evaluated: 2026-08-14. Review status: criteria provided, single submitter. Criteria: Ambry Variant Classification Scheme 2023. Collection method: clinical testing. Allele origin: germline.
Comment: The p.E202D variant (also known as c.606A>C), located in coding exon 5 of the FH gene, results from an A to C substitution at nucleotide position 606. The glutamic acid at codon 202 is replaced by aspartic acid, an amino acid with highly similar properties. This amino acid position is highly conserved in available vertebrate species. In addition, this alteration is predicted to be deleterious by in silico analysis. Based on the available evidence, the clinical significance of this variant remains unclear.

NM_000143.4(FH):c.606A>C (p.Glu202Asp)

Gene: FH (fumarate hydratase; minus strand). Cytogenetic location: 1q43.
Variant type: single nucleotide variant.
Coding change: c.606A>C on transcript NM_000143.4 (MANE Select); coding-DNA position 606, A replaced by C.
Protein change: p.Glu202Asp; replaces glutamic acid 202 with aspartic acid.
Molecular consequence: missense variant.
Genome position (GRCh38, 1-based): chr1:241,508,735, T>G on the plus strand (A>C on the coding strand, the complement: FH is on the minus strand). VCF-style: chr1-241508735-T-G. GRCh37 (hg19) VCF-style: chr1-241672035-T-G.
Other names: short protein forms E202D.
Identifiers: ClinVar variation 3278762 (VCV003278762.2).